The following is an entry in ClinVar:

NM_001364905.1(LRBA):c.6502T>C (p.Tyr2168His)

Gene: LRBA (LPS responsive beige-like anchor protein; minus strand). Cytogenetic location: 4q31.3.
Variant type: single nucleotide variant.
Coding change: c.6502T>C on transcript NM_001364905.1 (MANE Select); coding-DNA position 6502, T replaced by C.
Protein change: p.Tyr2168His; replaces tyrosine 2168 with histidine.
Molecular consequence: missense variant.
Genome position (GRCh38, 1-based): chr4:150,487,781, A>G on the plus strand (T>C on the coding strand, the complement: LRBA is on the minus strand). VCF-style: chr4-150487781-A-G. GRCh37 (hg19) VCF-style: chr4-151408933-A-G.
Other names: c.6502T>C, p.Tyr2168His (NM_001199282.3, NM_001367550.1); c.6535T>C, p.Tyr2179His (NM_006726.5); short protein forms Y2179H, Y2168H.
Identifiers: ClinVar variation 851321 (VCV000851321.10), dbSNP rs768820309, ClinGen allele CA3101908.

ClinVar aggregate classification (germline): Uncertain significance. Review status: criteria provided, multiple submitters, no conflicts (2 of 4 stars). 2 submissions from 2 submitters: Uncertain significance (2). Last evaluated 2025-08-31.

Conditions:
Combined immunodeficiency due to LRBA deficiency. Also called: Common variable immunodeficiency 8, with autoimmunity. Identifiers: Orphanet 445018, MedGen C3553512, MONDO:0013863, OMIM 614700.
Inborn genetic diseases. Identifiers: MedGen C0950123, MeSH D030342.

Allele frequency attached by ClinVar (database versions not stated): gnomAD exomes below 0.00001; ExAC 0.00001; TOPMed 0.00001; gnomAD 0.00003 and 0.00004.
gnomAD v4.1: 4 of 1,598,546 alleles (0.00025%); highest among the groups gnomAD compares: African/African-American, 0.0054%; no homozygotes.

Submissions (2):

Ambry Genetics
Classification: Uncertain significance for Inborn genetic diseases. Last evaluated: 2025-08-31. Review status: criteria provided, single submitter. Criteria: Ambry Variant Classification Scheme 2023. Collection method: clinical testing. Allele origin: germline.

Labcorp Genetics (formerly Invitae), Labcorp
Classification: Uncertain significance for Combined immunodeficiency due to LRBA deficiency. Last evaluated: 2022-11-02. Review status: criteria provided, single submitter. Criteria: Invitae Variant Classification Sherloc (09022015). Collection method: clinical testing. Allele origin: germline.
Comment: This variant has not been reported in the literature in individuals affected with LRBA-related conditions. ClinVar contains an entry for this variant (Variation ID: 851321). Advanced modeling of protein sequence and biophysical properties (such as structural, functional, and spatial information, amino acid conservation, physicochemical variation, residue mobility, and thermodynamic stability) performed at Invitae indicates that this missense variant is not expected to disrupt LRBA protein function. In summary, the available evidence is currently insufficient to determine the role of this variant in disease. Therefore, it has been classified as a Variant of Uncertain Significance. This sequence change replaces tyrosine, which is neutral and polar, with histidine, which is basic and polar, at codon 2179 of the LRBA protein (p.Tyr2179His). This variant is present in population databases (rs768820309, gnomAD 0.01%).